The following is an entry in ClinVar:

NM_004369.4(COL6A3):c.5542G>A (p.Asp1848Asn)

Gene: COL6A3 (collagen type VI alpha 3 chain; minus strand). Cytogenetic location: 2q37.3.
Variant type: single nucleotide variant.
Coding change: c.5542G>A on transcript NM_004369.4 (MANE Select); coding-DNA position 5542, G replaced by A.
Protein change: p.Asp1848Asn; replaces aspartic acid 1848 with asparagine.
Molecular consequence: missense variant.
Genome position (GRCh38, 1-based): chr2:237,365,994, C>T on the plus strand (G>A on the coding strand, the complement: COL6A3 is on the minus strand). VCF-style: chr2-237365994-C-T. GRCh37 (hg19) VCF-style: chr2-238274637-C-T.
Other names: c.3721G>A, p.Asp1241Asn (NM_057166.5); c.4924G>A, p.Asp1642Asn (NM_057167.4); short protein forms D1241N, D1642N, D1848N.
Identifiers: ClinVar variation 1000608 (VCV001000608.9), dbSNP rs78904746, ClinGen allele CA2188635.
Genomic context (GRCh38, chr2:237,365,994, plus strand): 5'-TGTTCAAGATGGCGTCCACCTTGGACTCGAAGCCCTTCTGGGCCACAAAAACATTCTGGT[C>T]TCTAGAACCATCAAACCCCAGAATCACATCCAGATTACAAGCTGGAAAGGAGAAATGCAG-3'
Protein context (NP_004360.2, residues 1838-1858): DVILGFDGSR[Asp1848Asn]QNVFVAQKGF

ClinVar aggregate classification (germline): Uncertain significance (1 of 4 stars; one submission).

Conditions:
Bethlem myopathy 1A. Also called: Bethlem Muscular Dystrophy; MYOPATHY, BENIGN CONGENITAL, WITH CONTRACTURES; Bethlem myopathy 1. Identifiers: Orphanet 610, MedGen CN029274, MONDO:0024530, OMIM 158810.

Allele frequency attached by ClinVar (database versions not stated): gnomAD 0.00001; gnomAD exomes 0.00001 and 0.00003; ExAC 0.00002; TOPMed 0.00003; 1000 Genomes Project 30x 0.00016; 1000 Genomes Project 0.00020.
gnomAD v4.1: 18 of 1,613,920 alleles (0.0011%); highest among the groups gnomAD compares: East Asian, 0.04%; no homozygotes.

Submission:

Labcorp Genetics (formerly Invitae), Labcorp
Classification: Uncertain significance for Bethlem myopathy 1A. Last evaluated: 2024-05-31. Review status: criteria provided, single submitter. Criteria: Invitae Variant Classification Sherloc (09022015). Collection method: clinical testing. Allele origin: germline.
Comment: This sequence change replaces aspartic acid, which is acidic and polar, with asparagine, which is neutral and polar, at codon 1848 of the COL6A3 protein (p.Asp1848Asn). This variant is present in population databases (rs78904746, gnomAD 0.01%). This variant has not been reported in the literature in individuals affected with COL6A3-related conditions. ClinVar contains an entry for this variant (Variation ID: 1000608). Advanced modeling of protein sequence and biophysical properties (such as structural, functional, and spatial information, amino acid conservation, physicochemical variation, residue mobility, and thermodynamic stability) performed at Invitae indicates that this missense variant is not expected to disrupt COL6A3 protein function with a negative predictive value of 80%. In summary, the available evidence is currently insufficient to determine the role of this variant in disease. Therefore, it has been classified as a Variant of Uncertain Significance.